The following is an entry in ClinVar:

ClinVar aggregate classification (germline): Pathogenic/Likely pathogenic. Review status: criteria provided, multiple submitters, no conflicts (2 of 4 stars). 10 submissions from 10 submitters: Pathogenic (8); Likely pathogenic (2). Last evaluated 2026-01-28.

Conditions:
MYBPC3-related disorder. Also called: MYBPC3-related disorders; MYBPC3-related condition; MYBPC3-related disease.
Cardiomyopathy (CMYO). Also called: Cardiomyopathies. Identifiers: Orphanet 167848, MedGen C0878544, MONDO:0004994, HP:0001638. Inheritance: Various modes of inheritance.
Hypertrophic cardiomyopathy 4. Also called: Familial hypertrophic cardiomyopathy 4. Identifiers: MedGen C1861862, MONDO:0007268, OMIM 115197.
Primary familial hypertrophic cardiomyopathy (HCM). Identifiers: Orphanet 99739, MedGen C0949658, MeSH D024741, MONDO:0024573. Inheritance: Various modes of inheritance.
Hypertrophic cardiomyopathy. Also called: HYPERTROPHIC MYOCARDIOPATHY. Identifiers: Orphanet 217569, MedGen C0007194, MeSH D002312, MONDO:0005045, HP:0001639.

Allele frequency attached by ClinVar (database versions not stated): gnomAD exomes below 0.00001 and 0.00001; TOPMed below 0.00001; gnomAD 0.00001; ExAC 0.00002.

Submissions (10):

Labcorp Genetics (formerly Invitae), Labcorp
Classification: Pathogenic for Hypertrophic cardiomyopathy. Last evaluated: 2026-01-28. Review status: criteria provided, single submitter. Criteria: Invitae Variant Classification Sherloc (09022015). Collection method: clinical testing. Allele origin: germline.
Comment: This sequence change creates a premature translational stop signal (p.His831Serfs*2) in the MYBPC3 gene. It is expected to result in an absent or disrupted protein product. Loss-of-function variants in MYBPC3 are known to be pathogenic (PMID: 19574547). This variant is present in population databases (rs397515966, gnomAD 0.003%). This premature translational stop signal has been observed in individual(s) with hypertrophic cardiomyopathy (PMID: 15519027, 21839045). ClinVar contains an entry for this variant (Variation ID: 42625). For these reasons, this variant has been classified as Pathogenic.

Color Diagnostics, LLC DBA Color Health
Classification: Pathogenic for Cardiomyopathy. Last evaluated: 2025-04-28. Review status: criteria provided, single submitter. Criteria: ACMG Guidelines, 2015. Collection method: clinical testing. Allele origin: germline.
Comment: This variant inserts 1 nucleotide in exon 25 of the MYBPC3 gene, creating a frameshift and premature translation stop signal. This variant is expected to result in an absent or non-functional protein product. This variant has been reported in more than 15 individuals affected with hypertrophic cardiomyopathy (PMID: 15519027, 24793961, 25611685, 27532257, 29237689, 33190526, 33673806, 35653365, 36346469, 38938358). This variant has been identified in 3/249168 chromosomes in the general population by the Genome Aggregation Database (gnomAD). Loss of MYBPC3 function is a known mechanism of disease. Based on the available evidence, this variant is classified as Pathogenic.

GeneDx
Classification: Pathogenic. Last evaluated: 2024-11-11. Review status: criteria provided, single submitter. Criteria: GeneDx Variant Classification Process June 2021. Collection method: clinical testing. Allele origin: germline. Affected: yes.
Comment: Not observed at significant frequency in large population cohorts (gnomAD); Also known as c.2490_2491insT and S830 fs/1; Frameshift variant predicted to result in protein truncation or nonsense mediated decay in a gene for which loss of function is a known mechanism of disease; This variant is associated with the following publications: (PMID: 21839045, 24510615, 29237689, 27532257, 33673806, 31980526, 33190526, 37652022, 35653365, 34542152, 15519027)

Blueprint Genetics
Classification: Pathogenic for MYBPC3-related disorders. Last evaluated: 2024-03-12. Review status: criteria provided, single submitter. Criteria: ACMG Guidelines, 2015. Collection method: clinical testing. Allele origin: germline. Affected: yes. Observed: 5 variant alleles.

Mayo Clinic Laboratories, Mayo Clinic
Classification: Pathogenic. Last evaluated: 2023-08-18. Review status: criteria provided, single submitter. Criteria: ACMG Guidelines, 2015. Collection method: clinical testing. Allele origin: germline. Observed: 1 variant allele.
Comment: PM2, PS4_moderate, PVS1

Clinical Genetics Laboratory, Region Ostergotland
Classification: Likely pathogenic for Hypertrophic cardiomyopathy 4. Last evaluated: 2022-04-04. Review status: criteria provided, single submitter. Criteria: ACMG Guidelines, 2015. Collection method: clinical testing. Allele origin: germline. Affected: yes.
Comment: PVS1, PS4, PP5

Clinical Genetics Laboratory, Skane University Hospital Lund
Classification: Pathogenic for Hypertrophic cardiomyopathy. Last evaluated: 2019-12-16. Review status: criteria provided, single submitter. Criteria: ACMG Guidelines, 2015. Collection method: clinical testing. Allele origin: germline. Inheritance: Autosomal dominant inheritance. Affected: yes.
Comment: ACMG criteria met: PVS1, PS4

Women's Health and Genetics/Laboratory Corporation of America, LabCorp
Classification: Pathogenic for Primary familial hypertrophic cardiomyopathy. Last evaluated: 2018-10-01. Review status: criteria provided, single submitter. Criteria: LabCorp Variant Classification Summary - May 2015. Collection method: clinical testing. Allele origin: germline.
Comment: Variant summary: MYBPC3 c.2490dupT (p.His831SerfsX2) results in a premature termination codon, predicted to cause a truncation of the encoded protein or absence of the protein due to nonsense mediated decay, which are commonly known mechanisms for disease. The variant allele was found at a frequency of 1.2e-05 in 246844 control chromosomes. c.2490dupT has been reported in the literature in multiple individuals affected with Hypertrophic Cardiomyopathy (VanDriest 2004 Maron 2012, Kapplinger 2014, Walsh 2017). These data indicate that the variant is very likely to be associated with disease. To our knowledge, no experimental evidence demonstrating an impact on protein function has been reported. Four clinical diagnostic laboratories have submitted clinical-significance assessments for this variant to ClinVar after 2014 without evidence for independent evaluation. All laboratories classified the variant as pathogenic (3x) / likely pathogenic (1x). Based on the evidence outlined above, the variant was classified as pathogenic.

Stanford Center for Inherited Cardiovascular Disease, Stanford University
Classification: Likely pathogenic. Last evaluated: 2016-05-27. Review status: criteria provided, single submitter. Criteria: ACMG Guidelines, 2015. Collection method: provider interpretation. Allele origin: germline.

Laboratory for Molecular Medicine, Mass General Brigham Personalized Medicine
Classification: Pathogenic for Hypertrophic cardiomyopathy. Last evaluated: 2015-02-04. Review status: criteria provided, single submitter. Criteria: LMM Criteria. Collection method: clinical testing. Allele origin: germline. Inheritance: Autosomal dominant inheritance. Observed: 3 variant alleles.
Comment: The p.His831fs variant in MYBPC3 has been observed in at least 4 individuals wit h HCM (Van Driest 2004, Kapplinger 2014, LMM unpublished data) and segregated wi th disease in 1 affected relative (LMM unpublished data). This variant has also been identified in 3/66680 of European chromosomes by the Exome Aggregation Cons ortium (ExAC; dbSNP rs397515966). Please note th at for diseases with clinical variability and reduced penetrance, pathogenic var iants may be present at a low frequency in the general population. This variant is predicted to cause a frameshift, which alters the protein?s amino acid sequen ce beginning at position 831 and leads to a premature termination codon 2 amino acids downstream. This alteration is then predicted to lead to a truncated or ab sent protein. Heterozygous loss of function of function of the MYBPC3 gene is an established disease mechanism in HCM. In summary, this variant meets our criter ia to be classified as pathogenic for HCM in an autosomal dominant manner based on the predicted impact of th e variant.

Literature cited by the submitters: PubMed 19574547 (cited by Labcorp Genetics (formerly Invitae), Labcorp); PubMed 15519027 (cited by 5 submitters); PubMed 21839045 (cited by Labcorp Genetics (formerly Invitae), Labcorp and Women's Health and Genetics/Laboratory Corporation of America, LabCorp); PubMed 24793961 (cited by Color Diagnostics, LLC DBA Color Health); PubMed 25611685 (cited by Color Diagnostics, LLC DBA Color Health); PubMed 27532257 (cited by 3 submitters); PubMed 29237689 (cited by Color Diagnostics, LLC DBA Color Health and Mayo Clinic Laboratories, Mayo Clinic); PubMed 33190526 (cited by Color Diagnostics, LLC DBA Color Health and Mayo Clinic Laboratories, Mayo Clinic); PubMed 33673806 (cited by Color Diagnostics, LLC DBA Color Health and Mayo Clinic Laboratories, Mayo Clinic); PubMed 35653365 (cited by Color Diagnostics, LLC DBA Color Health and Mayo Clinic Laboratories, Mayo Clinic); PubMed 36346469 (cited by Color Diagnostics, LLC DBA Color Health); PubMed 38938358 (cited by Color Diagnostics, LLC DBA Color Health); PubMed 24510615 (cited by 3 submitters); PubMed 31980526 (cited by Mayo Clinic Laboratories, Mayo Clinic); PubMed 34542152 (cited by Mayo Clinic Laboratories, Mayo Clinic); PubMed 21415409 (cited by Women's Health and Genetics/Laboratory Corporation of America, LabCorp).

NM_000256.3(MYBPC3):c.2490dup (p.His831fs)

Gene: MYBPC3 (myosin binding protein C3; minus strand). Cytogenetic location: 11p11.2.
Variant type: Duplication.
Coding change: c.2490dup on transcript NM_000256.3 (MANE Select); coding-DNA position 2490, one base duplicated (T; older notation c.2490dupT).
Protein change: p.His831fs; shifts the reading frame from histidine 831.
Genome position (GRCh38, 1-based): chr11:47,337,503, A duplicated on the plus strand (T on the coding strand, the reverse complement: MYBPC3 is on the minus strand). VCF-style (leftmost placement, unchanged base first): chr11-47337502-G-GA. GRCh37 (hg19) VCF-style: chr11-47359053-G-GA.
Other names: p.His831SerfsX2; p.His831Serfs*2; c.2490dupT (NM_000256.3); short protein forms H831fs.
Identifiers: ClinVar variation 42625 (VCV000042625.27), dbSNP rs397515966, ClinGen allele CA012366.